The following is an entry in ClinVar:

ClinVar aggregate classification (germline): Uncertain significance (1 of 4 stars; one submission).

Conditions:
Cardiovascular phenotype. Identifiers: MedGen CN230736.

gnomAD v4.1: 11 of 1,550,452 alleles (0.00071%); highest among the groups gnomAD compares: African/African-American, 0.0014%; no homozygotes.

Submission:

Ambry Genetics
Classification: Uncertain significance for Cardiovascular phenotype. Last evaluated: 2023-06-17. Review status: criteria provided, single submitter. Criteria: Ambry Variant Classification Scheme 2023. Collection method: clinical testing. Allele origin: germline.
Comment: The p.P3817R variant (also known as c.11450C>G), located in coding exon 2 of the ZNF469 gene, results from a C to G substitution at nucleotide position 11450. The proline at codon 3817 is replaced by arginine, an amino acid with dissimilar properties. This amino acid position is conserved. In addition, this alteration is predicted to be tolerated by in silico analysis. Since supporting evidence is limited at this time, the clinical significance of this alteration remains unclear.

NM_001367624.2(ZNF469):c.11534C>G (p.Pro3845Arg)

Gene: ZNF469 (zinc finger protein 469; plus strand). Cytogenetic location: 16q24.2.
Variant type: single nucleotide variant.
Coding change: c.11534C>G on transcript NM_001367624.2 (MANE Select); coding-DNA position 11534, C replaced by G.
Protein change: p.Pro3845Arg; replaces proline 3845 with arginine.
Molecular consequence: missense variant.
Genome position (GRCh38, 1-based): chr16:88,439,004, C>G. VCF-style: chr16-88439004-C-G. GRCh37 (hg19) VCF-style: chr16-88505412-C-G.
Other names: NM_001127464.1:c.11450C>G; short protein forms P3845R.
Identifiers: ClinVar variation 2626102 (VCV002626102.2), dbSNP rs746145535, ClinGen allele CA397130354.
Genomic context (GRCh38, chr16:88,439,004, plus strand): 5'-CAGCCAGGAGTGAAAGTGTGGGGAGCTTCGGGAGAGCCCCCTCAGCCCCTGACAAGCCCC[C>G]CCGGACCCCTCGGAAGCAGGCAACTCCCAGCCGCGTGCTCCCGACCAAGCCCAAGCCCAA-3'
Protein context (NP_001354553.1, residues 3835-3855): GRAPSAPDKP[Pro3845Arg]RTPRKQATPS